The following is an entry in ClinVar:

NM_194248.3(OTOF):c.4213A>G (p.Ile1405Val)

Gene: OTOF (otoferlin; minus strand). Cytogenetic location: 2p23.3.
Variant type: single nucleotide variant.
Coding change: c.4213A>G on transcript NM_194248.3 (MANE Select); coding-DNA position 4213, A replaced by G.
Protein change: p.Ile1405Val; replaces isoleucine 1405 with valine.
Molecular consequence: missense variant.
Genome position (GRCh38, 1-based): chr2:26,467,379, T>C on the plus strand (A>G on the coding strand, the complement: OTOF is on the minus strand). VCF-style: chr2-26467379-T-C. GRCh37 (hg19) VCF-style: chr2-26690247-T-C.
Other names: c.4213A>G, p.Ile1405Val (NM_001287489.2); c.1912A>G, p.Ile638Val (NM_004802.4, NM_194323.3); c.2143A>G, p.Ile715Val (NM_194322.3); short protein forms I1405V, I715V, I638V.
Identifiers: ClinVar variation 164847 (VCV000164847.5), dbSNP rs201123430, ClinGen allele CA177547.

ClinVar aggregate classification (germline): Uncertain significance (1 of 4 stars; one submission).

Allele frequency attached by ClinVar (database versions not stated): TOPMed below 0.00001; gnomAD 0.00001 and 0.00002; gnomAD exomes 0.00001; ExAC 0.00002; 1000 Genomes Project 30x 0.00016; 1000 Genomes Project 0.00020.
gnomAD v4.1: 20 of 1,613,690 alleles (0.0012%); highest among the groups gnomAD compares: Non-Finnish European, 0.0017%; no homozygotes.

Submission:

Laboratory for Molecular Medicine, Mass General Brigham Personalized Medicine
Classification: Uncertain significance. Last evaluated: 2014-02-11. Review status: criteria provided, single submitter. Criteria: LMM Criteria. Collection method: clinical testing. Allele origin: germline. Observed: 1 variant allele.
Comment: The Ile1405Val variant in OTOF has not been previously reported in individuals w ith hearing loss, but has been identified in 1/196 (0.5%) of Italian chromosomes by the 1000 Genomes Project (dbSNP rs201123430). Computational prediction tools and conservation analyses do not provide strong support for or against an impact to the protein. In summary, additional informat ion is needed to fully assess the clinical significance of this variant.